The following is an entry in ClinVar:

NM_001044.5(SLC6A3):c.1522A>C (p.Ile508Leu)

Gene: SLC6A3 (solute carrier family 6 member 3). Cytogenetic location: 5p15.33.
Variant type: single nucleotide variant.
Coding change: c.1522A>C on transcript NM_001044.5 (MANE Select); coding-DNA position 1522, A replaced by C.
Protein change: p.Ile508Leu; replaces isoleucine 508 with leucine.
Molecular consequence: missense variant.
Genome position (GRCh38, 1-based): chr5:1,406,265, T>G on the plus strand (A>C on the coding strand, the complement: SLC6A3 is on the minus strand). VCF-style: chr5-1406265-T-G. GRCh37 (hg19) VCF-style: chr5-1406380-T-G.
Other names: short protein forms I508L.
Identifiers: ClinVar variation 1305005 (VCV001305005.3), dbSNP rs772064063, ClinGen allele CA3185999.

ClinVar aggregate classification (germline): Uncertain significance. Review status: criteria provided, multiple submitters, no conflicts (2 of 4 stars). 2 submissions from 2 submitters: Uncertain significance (2). Last evaluated 2025-11-21.

Conditions:
Inborn genetic diseases. Identifiers: MedGen C0950123, MeSH D030342.

Allele frequency attached by ClinVar (database versions not stated): gnomAD exomes 0.00001; TOPMed 0.00002.
gnomAD v4.1: 5 of 1,612,952 alleles (0.00031%); highest among the groups gnomAD compares: Admixed American, 0.0083%; no homozygotes.

Submissions (2):

Ambry Genetics
Classification: Uncertain significance for Inborn genetic diseases. Last evaluated: 2025-11-21. Review status: criteria provided, single submitter. Criteria: Ambry Variant Classification Scheme 2023. Collection method: clinical testing. Allele origin: germline.

GeneDx
Classification: Uncertain significance. Last evaluated: 2019-04-09. Review status: criteria provided, single submitter. Criteria: GeneDx Variant Classification Process June 2021. Collection method: clinical testing. Allele origin: germline. Affected: yes.
Comment: Not observed at a significant frequency in large population cohorts (Lek et al., 2016); In silico analysis, which includes protein predictors and evolutionary conservation, supports that this variant does not alter protein structure/function; Has not been previously published as pathogenic or benign to our knowledge